The following is an entry in ClinVar:

ClinVar aggregate classification (germline): Uncertain significance (1 of 4 stars; one submission).

Allele frequency attached by ClinVar (database versions not stated): ExAC 0.00001; gnomAD exomes 0.00001; gnomAD 0.00003; TOPMed 0.00003.
gnomAD v4.1: 21 of 1,611,388 alleles (0.0013%); highest among the groups gnomAD compares: African/African-American, 0.0027%; no homozygotes.

Submission:

Labcorp Genetics (formerly Invitae), Labcorp
Classification: Uncertain significance. Last evaluated: 2022-04-12. Review status: criteria provided, single submitter. Criteria: Invitae Variant Classification Sherloc (09022015). Collection method: clinical testing. Allele origin: germline.
Comment: In summary, the available evidence is currently insufficient to determine the role of this variant in disease. Therefore, it has been classified as a Variant of Uncertain Significance. Algorithms developed to predict the effect of missense changes on protein structure and function are either unavailable or do not agree on the potential impact of this missense change (SIFT: "Deleterious"; PolyPhen-2: "Possibly Damaging"; Align-GVGD: "Class C0"). This variant has not been reported in the literature in individuals affected with DSCAML1-related conditions. The frequency data for this variant in the population databases is considered unreliable, as metrics indicate poor data quality at this position in the gnomAD database. This sequence change replaces valine, which is neutral and non-polar, with isoleucine, which is neutral and non-polar, at codon 653 of the DSCAML1 protein (p.Val653Ile).

NM_020693.4(DSCAML1):c.1777G>A (p.Val593Ile)

Gene: DSCAML1 (DS cell adhesion molecule like 1; minus strand). Cytogenetic location: 11q23.3.
Variant type: single nucleotide variant.
Coding change: c.1777G>A on transcript NM_020693.4 (MANE Select); coding-DNA position 1777, G replaced by A.
Protein change: p.Val593Ile; replaces valine 593 with isoleucine.
Molecular consequence: missense variant.
Genome position (GRCh38, 1-based): chr11:117,516,473, C>T on the plus strand (G>A on the coding strand, the complement: DSCAML1 is on the minus strand). VCF-style: chr11-117516473-C-T. GRCh37 (hg19) VCF-style: chr11-117387188-C-T.
Other names: c.1777G>A, p.Val593Ile (NM_001367904.1); short protein forms V593I.
Identifiers: ClinVar variation 1903489 (VCV001903489.5), dbSNP rs772587336, ClinGen allele CA6297189.